The following is an entry in ClinVar:

ClinVar aggregate classification (germline): Uncertain significance (1 of 4 stars; one submission).

Allele frequency attached by ClinVar (database versions not stated): gnomAD exomes below 0.00001; ExAC 0.00001.
gnomAD v4.1: 1 of 1,613,380 alleles (0.000062%); highest among the groups gnomAD compares: Non-Finnish European, 0.000085%; no homozygotes.

Submission:

Labcorp Genetics (formerly Invitae), Labcorp
Classification: Uncertain significance. Last evaluated: 2022-07-13. Review status: criteria provided, single submitter. Criteria: Invitae Variant Classification Sherloc (09022015). Collection method: clinical testing. Allele origin: germline.
Comment: This sequence change replaces valine, which is neutral and non-polar, with glycine, which is neutral and non-polar, at codon 1409 of the PTPN23 protein (p.Val1409Gly). This variant is present in population databases (rs769267904, gnomAD 0.0009%). This variant has not been reported in the literature in individuals affected with PTPN23-related conditions. Algorithms developed to predict the effect of missense changes on protein structure and function are either unavailable or do not agree on the potential impact of this missense change (SIFT: "Deleterious"; PolyPhen-2: "Probably Damaging"; Align-GVGD: "Class C0"). In summary, the available evidence is currently insufficient to determine the role of this variant in disease. Therefore, it has been classified as a Variant of Uncertain Significance.

NM_015466.4(PTPN23):c.4226T>G (p.Val1409Gly)

Gene: PTPN23 (protein tyrosine phosphatase non-receptor type 23; plus strand). Cytogenetic location: 3p21.31.
Variant type: single nucleotide variant.
Coding change: c.4226T>G on transcript NM_015466.4 (MANE Select); coding-DNA position 4226, T replaced by G.
Protein change: p.Val1409Gly; replaces valine 1409 with glycine.
Molecular consequence: missense variant.
Genome position (GRCh38, 1-based): chr3:47,412,330, T>G. VCF-style: chr3-47412330-T-G. GRCh37 (hg19) VCF-style: chr3-47453820-T-G.
Other names: c.3848T>G, p.Val1283Gly (NM_001304482.2); short protein forms V1283G, V1409G.
Identifiers: ClinVar variation 2016818 (VCV002016818.1), dbSNP rs769267904, ClinGen allele CA2366521.